The following is an entry in ClinVar:

NM_001354640.2(CIROP):c.1392C>A (p.Cys464Ter)

Gene: CIROP (ciliated left-right organizer metallopeptidase; minus strand). Cytogenetic location: 14q11.2.
Variant type: single nucleotide variant.
Coding change: c.1392C>A on transcript NM_001354640.2 (MANE Select); coding-DNA position 1392, C replaced by A.
Protein change: p.Cys464Ter; replaces cysteine 464 with a stop codon.
Molecular consequence: nonsense.
Genome position (GRCh38, 1-based): chr14:23,101,753, G>T on the plus strand (C>A on the coding strand, the complement: CIROP is on the minus strand). VCF-style: chr14-23101753-G-T. GRCh37 (hg19) VCF-style: chr14-23570962-G-T.
Other names: c.1227C>A, p.Cys409Ter (NM_001402427.1); short protein forms C409*, C464*.
Identifiers: ClinVar variation 5005299 (VCV005005299.2).

ClinVar aggregate classification (germline): Likely pathogenic (1 of 4 stars; one submission).

Conditions:
Heterotaxy, visceral, 12, autosomal (HTX12). Identifiers: MedGen C5676898, MONDO:0859222, OMIM 619702.

Submission:

Juno Genomics, Hangzhou Juno Genomics, Inc
Classification: Likely pathogenic for Heterotaxy, visceral, 12, autosomal. Review status: criteria provided, single submitter. Criteria: ACMG Guidelines, 2015. Collection method: clinical testing. Allele origin: germline.
Comment: Null variant in a gene where loss of function (LOF) is a known mechanism of disease.;Absent from controls (or at extremely low frequency if recessive) in Genome Aggregation Database.